The following is an entry in ClinVar:

ClinVar aggregate classification (germline): Uncertain significance (1 of 4 stars; one submission).

Conditions:
Bethlem myopathy 1A. Also called: MYOPATHY, BENIGN CONGENITAL, WITH CONTRACTURES; Bethlem myopathy 1; Bethlem Muscular Dystrophy. Identifiers: Orphanet 610, MedGen CN029274, MONDO:0024530, OMIM 158810.

Submission:

Labcorp Genetics (formerly Invitae), Labcorp
Classification: Uncertain significance for Bethlem myopathy 1A. Last evaluated: 2023-03-12. Review status: criteria provided, single submitter. Criteria: Invitae Variant Classification Sherloc (09022015). Collection method: clinical testing. Allele origin: germline.
Comment: Advanced modeling of protein sequence and biophysical properties (such as structural, functional, and spatial information, amino acid conservation, physicochemical variation, residue mobility, and thermodynamic stability) performed at Invitae indicates that this missense variant is expected to disrupt COL6A2 protein function. In summary, the available evidence is currently insufficient to determine the role of this variant in disease. Therefore, it has been classified as a Variant of Uncertain Significance. This variant has not been reported in the literature in individuals affected with COL6A2-related conditions. This variant is not present in population databases (gnomAD no frequency). This sequence change replaces glycine, which is neutral and non-polar, with valine, which is neutral and non-polar, at codon 561 of the COL6A2 protein (p.Gly561Val).

NM_001849.4(COL6A2):c.1682G>T (p.Gly561Val)

Gene: COL6A2 (collagen type VI alpha 2 chain; plus strand). Cytogenetic location: 21q22.3.
Variant type: single nucleotide variant.
Coding change: c.1682G>T on transcript NM_001849.4 (MANE Select); coding-DNA position 1682, G replaced by T.
Protein change: p.Gly561Val; replaces glycine 561 with valine.
Molecular consequence: missense variant.
Genome position (GRCh38, 1-based): chr21:46,124,661, G>T. VCF-style: chr21-46124661-G-T. GRCh37 (hg19) VCF-style: chr21-47544575-G-T.
Other names: c.1682G>T, p.Gly561Val (NM_058174.3, NM_058175.3); short protein forms G561V.
Identifiers: ClinVar variation 2961643 (VCV002961643.3), dbSNP rs2517014127, ClinGen allele CA410535828.
Genomic context (GRCh38, chr21:46,124,661, plus strand): 5'-GGGACTGTCCCTGGGGCCACTGAAGCCCACCTGTTCTTGTTCCTTCTCAGGCGGATCCTG[G>T]TCCCCCTGGTGAGCCAGGCCCTCGGGGGCCAAGAGGAGTCCCAGGACCCGAGGTAGGTTG-3'
Protein context (NP_001840.3, residues 551-571): KGEKGEPADP[Gly561Val]PPGEPGPRGP